The following is an entry in ClinVar:

NM_000834.5(GRIN2B):c.2011-1G>T

Gene: GRIN2B (glutamate ionotropic receptor NMDA type subunit 2B; minus strand). Cytogenetic location: 12p13.1.
Variant type: single nucleotide variant.
Coding change: c.2011-1G>T on transcript NM_000834.5 (MANE Select); the canonical splice acceptor site of the intron before coding-DNA position 2011, G replaced by T.
Molecular consequence: splice acceptor variant.
Genome position (GRCh38, 1-based): chr12:13,571,965, C>A on the plus strand (G>T on the coding strand, the complement: GRIN2B is on the minus strand). VCF-style: chr12-13571965-C-A. GRCh37 (hg19) VCF-style: chr12-13724899-C-A.
Other names: c.2011-1G>T (NM_001413992.1).
Identifiers: ClinVar variation 3340184 (VCV003340184.1).

ClinVar aggregate classification (germline): Pathogenic (1 of 4 stars; one submission).

Submission:

GeneDx
Classification: Pathogenic. Last evaluated: 2024-02-21. Review status: criteria provided, single submitter. Criteria: GeneDx Variant Classification Process June 2021. Collection method: clinical testing. Allele origin: germline. Affected: yes.
Comment: Canonical splice site variant predicted to result in a null allele in a gene for which loss of function is a known mechanism of disease; Not observed at significant frequency in large population cohorts (gnomAD); Has not been previously published as pathogenic or benign to our knowledge